The following is an entry in ClinVar:

NM_001197224.4(BEAN1):c.152-2550A>C

Gene: BEAN1 (brain expressed associated with NEDD4 1; plus strand). Cytogenetic location: 16q21.
Variant type: single nucleotide variant.
Coding change: c.152-2550A>C on transcript NM_001197224.4; 2550 bases into the intron before coding-DNA position 152, A replaced by C.
Molecular consequence: intron variant.
Genome position (GRCh38, 1-based): chr16:66,490,412, A>C. VCF-style: chr16-66490412-A-C. GRCh37 (hg19) VCF-style: chr16-66524315-A-C.
Identifiers: ClinVar variation 3778365 (VCV003778365.7).
Genomic context (GRCh38, chr16:66,490,412, plus strand): 5'-ACGTCACTGCACTCCAGCCTGGGCAACAAAACAAGACTCTGTTTCAATAAAATAAAATAA[A>C]ATAAAATAAAATAAAATAAAATAAAATAAAATAAAATAAAATAATAAAATAAAAAGAAAC-3'

ClinVar aggregate classification (germline): Benign (1 of 4 stars; one submission).

Submission:

CeGaT Center for Human Genetics Tuebingen
Classification: Benign. Last evaluated: 2025-12-01. Review status: criteria provided, single submitter. Criteria: CeGaT Center For Human Genetics Tuebingen Variant Classification Criteria Version 2. Collection method: clinical testing. Allele origin: germline. Affected: yes. Observed: 4 variant alleles.
Comment: BEAN1: BS1, BS2